The following is an entry in ClinVar:

NM_020433.5(JPH2):c.307G>T (p.Gly103Cys)

Gene: JPH2 (junctophilin 2; minus strand). Cytogenetic location: 20q13.12.
Variant type: single nucleotide variant.
Coding change: c.307G>T on transcript NM_020433.5 (MANE Select); coding-DNA position 307, G replaced by T.
Protein change: p.Gly103Cys; replaces glycine 103 with cysteine.
Molecular consequence: missense variant.
Genome position (GRCh38, 1-based): chr20:44,186,399, C>A on the plus strand (G>T on the coding strand, the complement: JPH2 is on the minus strand). VCF-style: chr20-44186399-C-A. GRCh37 (hg19) VCF-style: chr20-42815039-C-A.
Other names: c.307G>T, p.Gly103Cys (NM_175913.4); short protein forms G103C.
Identifiers: ClinVar variation 2566242 (VCV002566242.2), dbSNP rs530754608, ClinGen allele CA409095079.

ClinVar aggregate classification (germline): Uncertain significance (1 of 4 stars; one submission).

Conditions:
Cardiovascular phenotype. Identifiers: MedGen CN230736.

gnomAD v4.1: 1 of 1,613,782 alleles (0.000062%); highest among the groups gnomAD compares: Non-Finnish European, 0.000085%; no homozygotes.

Submission:

Ambry Genetics
Classification: Uncertain significance for Cardiovascular phenotype. Last evaluated: 2023-06-09. Review status: criteria provided, single submitter. Criteria: Ambry Variant Classification Scheme 2023. Collection method: clinical testing. Allele origin: germline.
Comment: The p.G103C variant (also known as c.307G>T), located in coding exon 1 of the JPH2 gene, results from a G to T substitution at nucleotide position 307. The glycine at codon 103 is replaced by cysteine, an amino acid with highly dissimilar properties. This amino acid position is conserved. In addition, the in silico prediction for this alteration is inconclusive. Since supporting evidence is limited at this time, the clinical significance of this alteration remains unclear.